The following is an entry in ClinVar:

ClinVar aggregate classification (germline): Uncertain significance (1 of 4 stars; one submission).

Conditions:
Postaxial polydactyly-anterior pituitary anomalies-facial dysmorphism syndrome. Also called: Culler-Jones syndrome. Identifiers: Orphanet 420584, MedGen C4014479, MONDO:0014369, OMIM 615849.
Holoprosencephaly 9 (HPE9). Also called: PITUITARY ANOMALIES WITH HOLOPROSENCEPHALY-LIKE FEATURES; HOLOPROSENCEPHALY WITH MICROPHTHALMIA AND FIRST BRANCHIAL ARCH ANOMALIES. Identifiers: Orphanet 2162, MedGen C1835819, MONDO:0012563, OMIM 610829.

gnomAD v4.1: 6 of 1,614,098 alleles (0.00037%); highest among the groups gnomAD compares: South Asian, 0.0044%; no homozygotes.

Submission:

Labcorp Genetics (formerly Invitae), Labcorp
Classification: Uncertain significance for Postaxial polydactyly-anterior pituitary anomalies-facial dysmorphism syndrome; Holoprosencephaly 9. Last evaluated: 2026-01-06. Review status: criteria provided, single submitter. Criteria: Invitae Variant Classification Sherloc (09022015). Collection method: clinical testing. Allele origin: germline.
Comment: This sequence change replaces isoleucine, which is neutral and non-polar, with valine, which is neutral and non-polar, at codon 334 of the GLI2 protein (p.Ile334Val). This variant is present in population databases (rs769741962, gnomAD 0.003%). This variant has not been reported in the literature in individuals affected with GLI2-related conditions. Invitae Evidence Modeling of protein sequence and biophysical properties (such as structural, functional, and spatial information, amino acid conservation, physicochemical variation, residue mobility, and thermodynamic stability) indicates that this missense variant is not expected to disrupt GLI2 protein function with a negative predictive value of 80%. In summary, the available evidence is currently insufficient to determine the role of this variant in disease. Therefore, it has been classified as a Variant of Uncertain Significance.

NM_001374353.1(GLI2):c.1000A>G (p.Ile334Val)

Gene: GLI2 (GLI family zinc finger 2; plus strand). Cytogenetic location: 2q14.2.
Variant type: single nucleotide variant.
Coding change: c.1000A>G on transcript NM_001374353.1 (MANE Select); coding-DNA position 1000, A replaced by G.
Protein change: p.Ile334Val; replaces isoleucine 334 with valine.
Molecular consequence: missense variant.
Genome position (GRCh38, 1-based): chr2:120,970,547, A>G. VCF-style: chr2-120970547-A-G. GRCh37 (hg19) VCF-style: chr2-121728123-A-G.
Other names: c.1000A>G, p.Ile334Val (NM_001371271.1, NM_005270.5); c.625A>G, p.Ile209Val (NM_001374354.1); short protein forms I209V, I334V.
Identifiers: ClinVar variation 4790047 (VCV004790047.1).